The following is an entry in ClinVar:

ClinVar aggregate classification (germline): Uncertain significance (1 of 4 stars; one submission).

Conditions:
Familial sleep-related hypermotor epilepsy. Also called: Autosomal Dominant Sleep-Related Hypermotor (Hyperkinetic) Epilepsy. Identifiers: Orphanet 98784, MedGen C3696898, MONDO:0000030.

Allele frequency attached by ClinVar (database versions not stated): gnomAD exomes 0.00001 and 0.00002; ExAC 0.00002.

Submission:

Labcorp Genetics (formerly Invitae), Labcorp
Classification: Uncertain significance. Last evaluated: 2025-11-03. Review status: criteria provided, single submitter. Criteria: Invitae Variant Classification Sherloc (09022015). Collection method: clinical testing. Allele origin: germline.
Comment: This sequence change replaces valine, which is neutral and non-polar, with alanine, which is neutral and non-polar, at codon 408 of the CHRNA2 protein (p.Val408Ala). This variant is present in population databases (rs747909980, gnomAD 0.009%). This variant has not been reported in the literature in individuals affected with CHRNA2-related conditions. ClinVar contains an entry for this variant (Variation ID: 476988). Invitae Evidence Modeling of protein sequence and biophysical properties (such as structural, functional, and spatial information, amino acid conservation, physicochemical variation, residue mobility, and thermodynamic stability) indicates that this missense variant is not expected to disrupt CHRNA2 protein function with a negative predictive value of 80%. In summary, the available evidence is currently insufficient to determine the role of this variant in disease. Therefore, it has been classified as a Variant of Uncertain Significance.

NM_000742.4(CHRNA2):c.1223T>C (p.Val408Ala)

Gene: CHRNA2 (cholinergic receptor nicotinic alpha 2 subunit; minus strand). Cytogenetic location: 8p21.2.
Variant type: single nucleotide variant.
Coding change: c.1223T>C on transcript NM_000742.4 (MANE Select); coding-DNA position 1223, T replaced by C.
Protein change: p.Val408Ala; replaces valine 408 with alanine.
Molecular consequence: missense variant.
Genome position (GRCh38, 1-based): chr8:27,463,220, A>G on the plus strand (T>C on the coding strand, the complement: CHRNA2 is on the minus strand). VCF-style: chr8-27463220-A-G. GRCh37 (hg19) VCF-style: chr8-27320737-A-G.
Other names: c.1178T>C, p.Val393Ala (NM_001282455.2); c.746T>C, p.Val249Ala (NM_001347705.2, NM_001347706.2); c.629T>C, p.Val210Ala (NM_001347707.2, NM_001347708.2); short protein forms V408A, V249A, V210A, V393A.
Identifiers: ClinVar variation 476988 (VCV000476988.5), dbSNP rs747909980, ClinGen allele CA4689497.